The following is an entry in ClinVar:

ClinVar aggregate classification (germline): Uncertain significance. Review status: criteria provided, multiple submitters, no conflicts (2 of 4 stars). 3 submissions from 3 submitters: Uncertain significance (3). Last evaluated 2025-06-25.

Conditions:
Inborn genetic diseases. Identifiers: MedGen C0950123, MeSH D030342.

Allele frequency attached by ClinVar (database versions not stated): gnomAD exomes 0.00002 and 0.00006; ExAC 0.00009; ESP Exome Variant Server 0.00015; 1000 Genomes Project 30x 0.00016; 1000 Genomes Project 0.00020; gnomAD 0.00020 and 0.00022; TOPMed 0.00022.
gnomAD v4.1: 66 of 1,614,026 alleles (0.0041%); highest among the groups gnomAD compares: African/African-American, 0.067%; no homozygotes.

Submissions (3):

Ambry Genetics
Classification: Uncertain significance for Inborn genetic diseases. Last evaluated: 2025-06-25. Review status: criteria provided, single submitter. Criteria: Ambry Variant Classification Scheme 2023. Collection method: clinical testing. Allele origin: germline.

Blueprint Genetics
Classification: Uncertain significance. Last evaluated: 2024-05-28. Review status: criteria provided, single submitter. Criteria: ACMG Guidelines, 2015. Collection method: clinical testing. Allele origin: germline.

Labcorp Genetics (formerly Invitae), Labcorp
Classification: Uncertain significance. Last evaluated: 2022-10-05. Review status: criteria provided, single submitter. Criteria: Invitae Variant Classification Sherloc (09022015). Collection method: clinical testing. Allele origin: germline.
Comment: This sequence change replaces arginine, which is basic and polar, with glutamine, which is neutral and polar, at codon 244 of the LAMA1 protein (p.Arg244Gln). This variant is present in population databases (rs138908205, gnomAD 0.07%). This variant has not been reported in the literature in individuals affected with LAMA1-related conditions. ClinVar contains an entry for this variant (Variation ID: 1523883). Algorithms developed to predict the effect of missense changes on protein structure and function are either unavailable or do not agree on the potential impact of this missense change (SIFT: "Tolerated"; PolyPhen-2: "Possibly Damaging"; Align-GVGD: "Class C0"). In summary, the available evidence is currently insufficient to determine the role of this variant in disease. Therefore, it has been classified as a Variant of Uncertain Significance.

NM_005559.4(LAMA1):c.731G>A (p.Arg244Gln)

Gene: LAMA1 (laminin subunit alpha 1; minus strand). Cytogenetic location: 18p11.31.
Variant type: single nucleotide variant.
Coding change: c.731G>A on transcript NM_005559.4 (MANE Select); coding-DNA position 731, G replaced by A.
Protein change: p.Arg244Gln; replaces arginine 244 with glutamine.
Molecular consequence: missense variant.
Genome position (GRCh38, 1-based): chr18:7,049,115, C>T on the plus strand (G>A on the coding strand, the complement: LAMA1 is on the minus strand). VCF-style: chr18-7049115-C-T. GRCh37 (hg19) VCF-style: chr18-7049114-C-T.
Other names: c.731G>A (NM_005559.3); short protein forms R244Q.
Identifiers: ClinVar variation 1523883 (VCV001523883.5), dbSNP rs138908205, ClinGen allele CA8883213.